The following is an entry in ClinVar:

NM_004525.3(LRP2):c.103T>C (p.Cys35Arg)

Gene: LRP2 (LDL receptor related protein 2; minus strand). Cytogenetic location: 2q31.1.
Variant type: single nucleotide variant.
Coding change: c.103T>C on transcript NM_004525.3 (MANE Select); coding-DNA position 103, T replaced by C.
Protein change: p.Cys35Arg; replaces cysteine 35 with arginine.
Molecular consequence: missense variant.
Genome position (GRCh38, 1-based): chr2:169,320,861, A>G on the plus strand (T>C on the coding strand, the complement: LRP2 is on the minus strand). VCF-style: chr2-169320861-A-G. GRCh37 (hg19) VCF-style: chr2-170177371-A-G.
Other names: short protein forms C35R.
Identifiers: ClinVar variation 4691331 (VCV004691331.1).

ClinVar aggregate classification (germline): Uncertain significance (1 of 4 stars; one submission).

Submission:

Labcorp Genetics (formerly Invitae), Labcorp
Classification: Uncertain significance. Last evaluated: 2025-08-25. Review status: criteria provided, single submitter. Criteria: Invitae Variant Classification Sherloc (09022015). Collection method: clinical testing. Allele origin: germline.
Comment: This sequence change replaces cysteine, which is neutral and slightly polar, with arginine, which is basic and polar, at codon 35 of the LRP2 protein (p.Cys35Arg). This variant is not present in population databases (gnomAD no frequency). This variant has not been reported in the literature in individuals affected with LRP2-related conditions. Invitae Evidence Modeling of protein sequence and biophysical properties (such as structural, functional, and spatial information, amino acid conservation, physicochemical variation, residue mobility, and thermodynamic stability) indicates that this missense variant is expected to disrupt LRP2 protein function with a positive predictive value of 95%. In summary, the available evidence is currently insufficient to determine the role of this variant in disease. Therefore, it has been classified as a Variant of Uncertain Significance.